The following is an entry in ClinVar:

ClinVar aggregate classification (germline): Likely pathogenic (1 of 4 stars; one submission).

Conditions:
Combined oxidative phosphorylation deficiency 55 (COXPD55). Identifiers: MedGen C5676915, MONDO:0859228, OMIM 619743.

gnomAD v4.1: 1 of 1,561,558 alleles (0.000064%); highest among the groups gnomAD compares: Non-Finnish European, 0.000087%; no homozygotes.

Submission:

Neuberg Centre For Genomic Medicine, NCGM
Classification: Likely pathogenic for Combined oxidative phosphorylation deficiency 55. Last evaluated: 2023-05-20. Review status: criteria provided, single submitter. Criteria: ACMG Guidelines, 2015. Collection method: clinical testing. Allele origin: germline. Inheritance: Autosomal recessive inheritance. Affected: yes.
Comment: The observed stop gained variant c.1753C>T(p.Gln585Ter) in POLRMT gene has not been reported previously as a pathogenic variant nor as a benign variant, to our knowledge. The c.1753C>T variant has 0 frequency in gnomAD Exomes. The reference nucleotide c.1753C>T in POLRMT is predicted as conserved by GERP++ and PhyloP across 100 vertebrates. Computational evidence (Mutation Taster - Disease causing) predicts damaging effect on protein structure and function for this variant. . This variant is predicted to cause loss of normal protein function through protein truncation. Loss of function variants have been previously reported to be disease causing (Oláhová M, et al., 2021). For these reasons, this variant has been classified as Likely Pathogenic. In the absence of another reportable variant, the molecular diagnosis is not confirmed.

NM_005035.4(POLRMT):c.1753C>T (p.Gln585Ter)

Gene: POLRMT (RNA polymerase mitochondrial; minus strand). Cytogenetic location: 19p13.3.
Variant type: single nucleotide variant.
Coding change: c.1753C>T on transcript NM_005035.4 (MANE Select); coding-DNA position 1753, C replaced by T.
Protein change: p.Gln585Ter; replaces glutamine 585 with a stop codon.
Molecular consequence: nonsense. On other transcripts: non-coding transcript variant (1), intron variant (2).
Genome position (GRCh38, 1-based): chr19:622,247, G>A on the plus strand (C>T on the coding strand, the complement: POLRMT is on the minus strand). VCF-style: chr19-622247-G-A. GRCh37 (hg19) VCF-style: chr19-622247-G-A.
Other names: c.1753C>T, p.Gln585Ter (NM_001407805.1, NM_001407808.1, NM_001407812.1 and 4 more transcripts); c.1744C>T, p.Gln582Ter (NM_001407806.1, NM_001407809.1); c.1741C>T, p.Gln581Ter (NM_001407807.1, NM_001407810.1); c.1711C>T, p.Gln571Ter (NM_001407811.1, NM_001407813.1); c.1429C>T, p.Gln477Ter (NM_001407831.1, NM_001407833.1, NM_001407835.1 and 1 more transcripts); c.1420C>T, p.Gln474Ter (NM_001407834.1); c.1626+335C>T (NM_001407832.1, NM_001407830.1); short protein forms Q474*, Q477*, Q571*, Q581*, Q582*, Q585*.
Identifiers: ClinVar variation 3367088 (VCV003367088.1).